The following is an entry in ClinVar:

NM_006739.4(MCM5):c.469G>A (p.Ala157Thr)

Gene: MCM5 (minichromosome maintenance complex component 5; plus strand). Cytogenetic location: 22q12.3.
Variant type: single nucleotide variant.
Coding change: c.469G>A on transcript NM_006739.4 (MANE Select); coding-DNA position 469, G replaced by A.
Protein change: p.Ala157Thr; replaces alanine 157 with threonine.
Molecular consequence: missense variant.
Genome position (GRCh38, 1-based): chr22:35,406,598, G>A. VCF-style: chr22-35406598-G-A. GRCh37 (hg19) VCF-style: chr22-35802591-G-A.
Other names: short protein forms A157T.
Identifiers: ClinVar variation 2150702 (VCV002150702.4), dbSNP rs766431719, ClinGen allele CA10205042.

ClinVar aggregate classification (germline): Uncertain significance (1 of 4 stars; one submission).

Allele frequency attached by ClinVar (database versions not stated): gnomAD 0.00001; ExAC 0.00002; gnomAD exomes 0.00002; TOPMed 0.00002.
gnomAD v4.1: 25 of 1,613,500 alleles (0.0015%); highest among the groups gnomAD compares: South Asian, 0.0077%; no homozygotes.

Submission:

Labcorp Genetics (formerly Invitae), Labcorp
Classification: Uncertain significance. Last evaluated: 2022-03-11. Review status: criteria provided, single submitter. Criteria: Invitae Variant Classification Sherloc (09022015). Collection method: clinical testing. Allele origin: germline.
Comment: Algorithms developed to predict the effect of missense changes on protein structure and function (SIFT, PolyPhen-2, Align-GVGD) all suggest that this variant is likely to be tolerated. This variant has not been reported in the literature in individuals affected with MCM5-related conditions. This variant is present in population databases (rs766431719, gnomAD 0.007%). This sequence change replaces alanine, which is neutral and non-polar, with threonine, which is neutral and polar, at codon 157 of the MCM5 protein (p.Ala157Thr). In summary, the available evidence is currently insufficient to determine the role of this variant in disease. Therefore, it has been classified as a Variant of Uncertain Significance.